The following is an entry in ClinVar:

NM_002834.5(PTPN11):c.237G>C (p.Gln79His)

Gene: PTPN11 (protein tyrosine phosphatase non-receptor type 11; plus strand). Cytogenetic location: 12q24.13.
Variant type: single nucleotide variant.
Coding change: c.237G>C on transcript NM_002834.5 (MANE Select); coding-DNA position 237, G replaced by C.
Protein change: p.Gln79His; replaces glutamine 79 with histidine.
Molecular consequence: missense variant.
Genome position (GRCh38, 1-based): chr12:112,450,417, G>C. VCF-style: chr12-112450417-G-C. GRCh37 (hg19) VCF-style: chr12-112888221-G-C.
Other names: c.237G>C, p.Gln79His (NM_001330437.2, NM_080601.3); c.234G>C, p.Gln78His (NM_001374625.1); short protein forms Q79H, Q78H.
Identifiers: ClinVar variation 2025797 (VCV002025797.4), dbSNP rs748952554, ClinGen allele CA6798533.

ClinVar aggregate classification (germline): Likely pathogenic (1 of 4 stars; one submission).

Conditions:
RASopathy. Also called: rasopathies; Noonan spectrum disorder. Identifiers: Orphanet 536391, MedGen C5555857, MONDO:0021060.

Allele frequency attached by ClinVar (database versions not stated): gnomAD exomes below 0.00001; ExAC 0.00001.
gnomAD v4.1: 2 of 1,613,720 alleles (0.00012%); highest among the groups gnomAD compares: Admixed American, 0.0017%; no homozygotes.

Submission:

Labcorp Genetics (formerly Invitae), Labcorp
Classification: Likely pathogenic for RASopathy. Last evaluated: 2022-09-05. Review status: criteria provided, single submitter. Criteria: Invitae Variant Classification Sherloc (09022015). Collection method: clinical testing. Allele origin: germline.
Comment: This sequence change replaces glutamine, which is neutral and polar, with histidine, which is basic and polar, at codon 79 of the PTPN11 protein (p.Gln79His). This variant is present in population databases (rs748952554, gnomAD 0.003%). In summary, the currently available evidence indicates that the variant is pathogenic, but additional data are needed to prove that conclusively. Therefore, this variant has been classified as Likely Pathogenic. This variant disrupts the p.Gln79 amino acid residue in PTPN11. Other variant(s) that disrupt this residue have been determined to be pathogenic (PMID: 11704759, 11992261, 12529711, 12634870, 17020470, 22848035). This suggests that this residue is clinically significant, and that variants that disrupt this residue are likely to be disease-causing. Advanced modeling of protein sequence and biophysical properties (such as structural, functional, and spatial information, amino acid conservation, physicochemical variation, residue mobility, and thermodynamic stability) performed at Invitae indicates that this missense variant is expected to disrupt PTPN11 protein function. This variant has not been reported in the literature in individuals affected with PTPN11-related conditions.

Literature cited by the submitters: PubMed 11704759; PubMed 11992261; PubMed 12529711; PubMed 12634870; PubMed 17020470; PubMed 22848035.